The following is an entry in ClinVar:

NM_000203.5(IDUA):c.1226G>A (p.Gly409Glu)

Gene: IDUA (alpha-L-iduronidase; plus strand). Cytogenetic location: 4p16.3.
Variant type: single nucleotide variant.
Coding change: c.1226G>A on transcript NM_000203.5 (MANE Select); coding-DNA position 1226, G replaced by A.
Protein change: p.Gly409Glu; replaces glycine 409 with glutamic acid.
Molecular consequence: missense variant. On other transcripts: non-coding transcript variant (1).
Genome position (GRCh38, 1-based): chr4:1,002,768, G>A. VCF-style: chr4-1002768-G-A. GRCh37 (hg19) VCF-style: chr4-996556-G-A.
Other names: NM_000203.5(IDUA):c.1226G>A; p.Gly409Glu; c.830G>A, p.Gly277Glu (NM_001363576.1); short protein forms G409E, G277E.
Identifiers: ClinVar variation 557616 (VCV000557616.4), dbSNP rs1465083754, ClinGen allele CA355963597.

ClinVar aggregate classification (germline): Uncertain significance. Review status: reviewed by expert panel (3 of 4 stars). 3 submissions from 3 submitters: Uncertain significance (1). 2 of the submissions do not count toward it. Last evaluated 2024-12-06.

Conditions:
Hurler syndrome. Also called: Gargoylism, Hurler Syndrome; MUCOPOLYSACCHARIDOSIS TYPE IH; Severe MPS I (Hurler Syndrome). Identifiers: Orphanet 93473, MedGen C0086795, MONDO:0011758, OMIM 607014.
Inborn genetic diseases. Identifiers: MedGen C0950123, MeSH D030342.
Mucopolysaccharidosis type 1. Also called: Mucopolysaccharidosis Type I; IDUA deficiency; MPS I. Identifiers: Orphanet 579, MedGen C0023786, MONDO:0001586.

Allele frequency attached by ClinVar (database versions not stated): TOPMed 0.00001; gnomAD exomes 0.00002; gnomAD 0.00001.
gnomAD v4.1: 11 of 1,472,764 alleles (0.00075%); highest among the groups gnomAD compares: Non-Finnish European, 0.00098%; no homozygotes.

Submissions (3):

ClinGen Lysosomal Storage Disorder Variant Curation Expert Panel
Classification: Uncertain significance for Mucopolysaccharidosis type 1. Last evaluated: 2024-12-06. Review status: reviewed by expert panel. Criteria: ClinGen LSD ACMG Specifications IDUA V1.0.0. Collection method: curation. Allele origin: germline. Inheritance: Autosomal recessive inheritance.
Comment: The NM_000203.5:c.1226G>A variant in IDUA is a missense variant predicted to cause the substitution of glycine by glutamic acid at amino acid 409 (p.Gly409Glu). The highest population minor allele frequency in gnomAD v4.1.0. is 0.000009841 (11/1117808; no homozygotes) in the European non-Finnish population, which is lower than the ClinGen Lysosomal Diseases VCEP’s threshold for PM2_Supporting (<0.00025), meeting this criterion (PM2_Supporting). The computational predictor REVEL gives a score of 0.451 which is neither above nor below the thresholds predicting a damaging (>0.644) or benign (<0.29) impact on the IDUA function. The computational predictor SpliceAI predicts that the variant has no impact on splicing. There is a ClinVar entry for this variant (Variation ID: 557616). However, to our knowledge, this variant has not been reported in the literature in individuals with MPS1 and the results of functional studies are unavailable. In summary, this variant meets the criteria to be classified as a variant of uncertain significance for MPS1. IDUA-specific ACMG/AMP criteria applied, as specified by the ClinGen Lysosomal Diseases Variant Curation Expert Panel (Specifications Version 1.0.0): PM2_Supporting. (Classification approved by the ClinGen Lysosomal Diseases Variant Curation Expert Panel on December 6, 2024)

Ambry Genetics
Classification: Uncertain significance for Inborn genetic diseases. Last evaluated: 2024-03-31. Review status: criteria provided, single submitter. Criteria: Ambry Variant Classification Scheme 2023. Collection method: clinical testing. Allele origin: germline. Not counted in ClinVar's aggregate classification.

Counsyl
Classification: Uncertain significance for Hurler syndrome. Last evaluated: 2018-04-03. Review status: no assertion criteria provided. Collection method: clinical testing. Allele origin: unknown. Not counted in ClinVar's aggregate classification.